The following is an entry in ClinVar:

ClinVar aggregate classification (germline): Uncertain significance. Review status: criteria provided, multiple submitters, no conflicts (2 of 4 stars). 2 submissions from 2 submitters: Uncertain significance (2). Last evaluated 2025-05-12.

Conditions:
Hereditary cancer-predisposing syndrome. Also called: Neoplastic Syndromes, Hereditary; Hereditary Cancer Syndrome; Tumor predisposition; Hereditary neoplastic syndrome. Identifiers: Orphanet 140162, MedGen C0027672, MeSH D009386, MONDO:0015356.

Submissions (2):

GeneDx
Classification: Uncertain significance. Last evaluated: 2025-05-12. Review status: criteria provided, single submitter. Criteria: GeneDx Variant Classification Process June 2021. Collection method: clinical testing. Allele origin: germline. Affected: yes.
Comment: Not observed at significant frequency in large population cohorts (gnomAD); In silico analysis supports that this missense variant has a deleterious effect on protein structure/function; Has not been previously published as pathogenic or benign to our knowledge; This variant is associated with the following publications: (PMID: 24658002)

Ambry Genetics
Classification: Uncertain significance for Hereditary cancer-predisposing syndrome. Last evaluated: 2024-12-31. Review status: criteria provided, single submitter. Criteria: Ambry Variant Classification Scheme 2023. Collection method: clinical testing. Allele origin: germline.
Comment: The p.L1184R variant (also known as c.3551T>G), located in coding exon 25 of the SMARCA4 gene, results from a T to G substitution at nucleotide position 3551. The leucine at codon 1184 is replaced by arginine, an amino acid with dissimilar properties. This amino acid position is conserved. In addition, this alteration is predicted to be deleterious by in silico analysis. Based on the available evidence, the clinical significance of this variant remains unclear.

NM_003072.5(SMARCA4):c.3551T>G (p.Leu1184Arg)

Gene: SMARCA4 (SWI/SNF related BAF chromatin remodeling complex subunit ATPase 4; plus strand). Cytogenetic location: 19p13.2.
Variant type: single nucleotide variant.
Coding change: c.3551T>G on transcript NM_003072.5 (MANE Select); coding-DNA position 3551, T replaced by G.
Protein change: p.Leu1184Arg; replaces leucine 1184 with arginine.
Molecular consequence: missense variant. On other transcripts: non-coding transcript variant (1).
Genome position (GRCh38, 1-based): chr19:11,033,294, T>G. VCF-style: chr19-11033294-T-G. GRCh37 (hg19) VCF-style: chr19-11143970-T-G.
Other names: c.3551T>G, p.Leu1184Arg (NM_001128844.3, NM_001128845.2, NM_001128846.2 and 6 more transcripts); short protein forms L1184R.
Identifiers: ClinVar variation 3798892 (VCV003798892.2).